The following is an entry in ClinVar:

ClinVar aggregate classification (germline): Benign/Likely benign. Review status: criteria provided, multiple submitters, no conflicts (2 of 4 stars). 5 submissions from 5 submitters: Benign (1); Likely benign (4). Last evaluated 2026-06-01.

Conditions:
ASCC1-related disorder. Also called: ASCC1-Related Disorders; ASCC1-related condition.

Allele frequency attached by ClinVar (database versions not stated): gnomAD exomes 0.00042; ExAC 0.00049; 1000 Genomes Project 30x 0.00078; ESP Exome Variant Server 0.00085; gnomAD 0.00098 and 0.00103; 1000 Genomes Project 0.00100; TOPMed 0.00120.
gnomAD v4.1: 374 of 1,613,400 alleles (0.023%); highest among the groups gnomAD compares: African/African-American, 0.34%; 2 homozygotes.

Submissions (5):

CeGaT Center for Human Genetics Tuebingen
Classification: Likely benign. Last evaluated: 2026-06-01. Review status: criteria provided, single submitter. Criteria: CeGaT Center For Human Genetics Tuebingen Variant Classification Criteria Version 2. Collection method: clinical testing. Allele origin: germline. Affected: yes. Observed: 1 variant allele.
Comment: ASCC1: BP4, BP7

Labcorp Genetics (formerly Invitae), Labcorp
Classification: Benign. Last evaluated: 2026-01-29. Review status: criteria provided, single submitter. Criteria: Invitae Variant Classification Sherloc (09022015). Collection method: clinical testing. Allele origin: germline.

Mayo Clinic Laboratories, Mayo Clinic
Classification: Likely benign. Last evaluated: 2025-10-23. Review status: criteria provided, single submitter. Criteria: ACMG Guidelines, 2015. Collection method: clinical testing. Allele origin: germline. Observed: 1 variant allele.
Comment: BS1, BP4, BP7

PreventionGenetics, part of Exact Sciences
Classification: Likely benign for ASCC1-related condition. Last evaluated: 2024-10-04. Review status: criteria provided, single submitter. Criteria: ACMG Guidelines, 2015. Collection method: clinical testing. Allele origin: germline.
Comment: This variant is classified as likely benign based on ACMG/AMP sequence variant interpretation guidelines (Richards et al. 2015 PMID: 25741868, with internal and published modifications).

Blueprint Genetics
Classification: Likely benign. Last evaluated: 2024-06-26. Review status: criteria provided, single submitter. Criteria: ACMG Guidelines, 2015. Collection method: clinical testing. Allele origin: germline.

NM_001198800.3(ASCC1):c.1044C>T (p.Tyr348=)

Gene: ASCC1 (activating signal cointegrator 1 complex subunit 1; minus strand). Cytogenetic location: 10q22.1.
Variant type: single nucleotide variant.
Coding change: c.1044C>T on transcript NM_001198800.3 (MANE Select); coding-DNA position 1044, C replaced by T.
Protein change: p.Tyr348=; no amino-acid change (tyrosine 348 retained).
Molecular consequence: synonymous variant. On other transcripts: 3 prime UTR variant (20), non-coding transcript variant (1).
Genome position (GRCh38, 1-based): chr10:72,097,364, G>A on the plus strand (C>T on the coding strand, the complement: ASCC1 is on the minus strand). VCF-style: chr10-72097364-G-A. GRCh37 (hg19) VCF-style: chr10-73857122-G-A.
Other names: p.Tyr348=; c.1044C>T, p.Tyr348= (NM_001198798.2, NM_001369093.1, NM_001369094.1 and 1 more transcripts); c.*122C>T (NM_001198799.3, NM_001369085.1, NM_001369087.1 and 3 more transcripts); c.*79C>T (NM_001369086.1, NM_001369090.1, NM_001369091.1 and 11 more transcripts); c.990C>T, p.Tyr330= (NM_001369099.1); c.927C>T, p.Tyr309= (NM_001369105.1, NM_001369106.1, NM_001369107.1); c.924C>T, p.Tyr308= (NM_001369108.1, NM_001369109.1).
Identifiers: ClinVar variation 720317 (VCV000720317.14), dbSNP rs146138639, ClinGen allele CA5548820.